The following is an entry in ClinVar:

NM_017950.4(CCDC40):c.1085A>T (p.Lys362Met)

Gene: CCDC40 (coiled-coil domain 40 molecular ruler complex subunit; plus strand). Cytogenetic location: 17q25.3.
Variant type: single nucleotide variant.
Coding change: c.1085A>T on transcript NM_017950.4 (MANE Select); coding-DNA position 1085, A replaced by T.
Protein change: p.Lys362Met; replaces lysine 362 with methionine.
Molecular consequence: missense variant.
Genome position (GRCh38, 1-based): chr17:80,050,209, A>T. VCF-style: chr17-80050209-A-T. GRCh37 (hg19) VCF-style: chr17-78024008-A-T.
Other names: c.1085A>T, p.Lys362Met (NM_001243342.2, NM_001330508.2); short protein forms K362M.
Identifiers: ClinVar variation 1787429 (VCV001787429.2), dbSNP rs2143617296, ClinGen allele CA401355699.

ClinVar aggregate classification (germline): Uncertain significance (1 of 4 stars; one submission).

Conditions:
Primary ciliary dyskinesia. Also called: Ciliary dyskinesia. Identifiers: Orphanet 244, MedGen C0008780, MONDO:0016575, HP:0012265.

Submission:

Ambry Genetics
Classification: Uncertain significance for Primary ciliary dyskinesia. Last evaluated: 2017-06-28. Review status: criteria provided, single submitter. Criteria: Ambry Variant Classification Scheme 2023. Collection method: clinical testing. Allele origin: germline.
Comment: The p.K362M variant (also known as c.1085A>T), located in coding exon 7 of the CCDC40 gene, results from an A to T substitution at nucleotide position 1085. The lysine at codon 362 is replaced by methionine, an amino acid with similar properties. This amino acid position is not well conserved in available vertebrate species. In addition, this alteration is predicted to be tolerated by in silico analysis. Since supporting evidence is limited at this time, the clinical significance of this alteration remains unclear.